The following is an entry in ClinVar:

NM_152383.5(DIS3L2):c.860A>C (p.Gln287Pro)

Gene: DIS3L2 (DIS3 like 3'-5' exoribonuclease 2; plus strand). Cytogenetic location: 2q37.1.
Variant type: single nucleotide variant.
Coding change: c.860A>C on transcript NM_152383.5 (MANE Select); coding-DNA position 860, A replaced by C.
Protein change: p.Gln287Pro; replaces glutamine 287 with proline.
Molecular consequence: missense variant. On other transcripts: non-coding transcript variant (1).
Genome position (GRCh38, 1-based): chr2:232,136,629, A>C. VCF-style: chr2-232136629-A-C. GRCh37 (hg19) VCF-style: chr2-233001339-A-C.
Other names: c.860A>C, p.Gln287Pro (NM_001257281.2); short protein forms Q287P.
Identifiers: ClinVar variation 651246 (VCV000651246.8), dbSNP rs1574902537, ClinGen allele CA351153748.

ClinVar aggregate classification (germline): Uncertain significance (1 of 4 stars; one submission).

Conditions:
Perlman syndrome (PRLMNS). Identifiers: Orphanet 2849, MedGen C0796113, MONDO:0009965, OMIM 267000.

Submission:

Labcorp Genetics (formerly Invitae), Labcorp
Classification: Uncertain significance for Perlman syndrome. Last evaluated: 2018-12-18. Review status: criteria provided, single submitter. Criteria: Invitae Variant Classification Sherloc (09022015). Collection method: clinical testing. Allele origin: germline.
Comment: This sequence change replaces glutamine with proline at codon 287 of the DIS3L2 protein (p.Gln287Pro). The glutamine residue is weakly conserved and there is a moderate physicochemical difference between glutamine and proline. This variant is not present in population databases (ExAC no frequency). This variant has not been reported in the literature in individuals with DIS3L2-related conditions. Algorithms developed to predict the effect of missense changes on protein structure and function output the following: SIFT: "Tolerated"; PolyPhen-2: "Benign"; Align-GVGD: "Class C0". The proline amino acid residue is found in multiple mammalian species, suggesting that this missense change does not adversely affect protein function. These predictions have not been confirmed by published functional studies and their clinical significance is uncertain. In summary, the available evidence is currently insufficient to determine the role of this variant in disease. Therefore, it has been classified as a Variant of Uncertain Significance.